The following is an entry in ClinVar:

NM_000179.3(MSH6):c.2089G>T (p.Asp697Tyr)

Gene: MSH6 (mutS homolog 6; plus strand). Cytogenetic location: 2p16.3.
Variant type: single nucleotide variant.
Coding change: c.2089G>T on transcript NM_000179.3 (MANE Select); coding-DNA position 2089, G replaced by T.
Protein change: p.Asp697Tyr; replaces aspartic acid 697 with tyrosine.
Molecular consequence: missense variant.
Genome position (GRCh38, 1-based): chr2:47,800,072, G>T. VCF-style: chr2-47800072-G-T. GRCh37 (hg19) VCF-style: chr2-48027211-G-T.
Other names: c.1699G>T, p.Asp567Tyr (NM_001281492.2); c.1183G>T, p.Asp395Tyr (NM_001281493.2, NM_001281494.2, NM_001406811.1 and 6 more transcripts); c.2185G>T, p.Asp729Tyr (NM_001406795.1, NM_001406802.1); c.2089G>T, p.Asp697Tyr (NM_001406796.1, NM_001406798.1, NM_001406800.1 and 3 more transcripts); c.1792G>T, p.Asp598Tyr (NM_001406797.1, NM_001406801.1, NM_001406805.1 and 10 more transcripts); c.1564G>T, p.Asp522Tyr (NM_001406799.1, NM_001406806.1, NM_001406807.1); c.2011G>T, p.Asp671Tyr (NM_001406804.1); c.2095G>T, p.Asp699Tyr (NM_001406813.1); and 1 more; short protein forms D522Y, D641Y, D395Y, D567Y, D699Y, D729Y, D598Y, D671Y.
Identifiers: ClinVar variation 1785692 (VCV001785692.4), dbSNP rs1553413460, ClinGen allele CA346750854.

ClinVar aggregate classification (germline): Uncertain significance. Review status: criteria provided, multiple submitters, no conflicts (2 of 4 stars). 2 submissions from 2 submitters: Uncertain significance (2). Last evaluated 2024-05-21.

Conditions:
Hereditary cancer-predisposing syndrome. Also called: Neoplastic Syndromes, Hereditary; Tumor predisposition; Hereditary Cancer Syndrome; Hereditary neoplastic syndrome. Identifiers: Orphanet 140162, MedGen C0027672, MeSH D009386, MONDO:0015356.
Hereditary nonpolyposis colorectal neoplasms. Identifiers: MedGen C0009405, MeSH D003123.

Submissions (2):

Labcorp Genetics (formerly Invitae), Labcorp
Classification: Uncertain significance for Hereditary nonpolyposis colorectal neoplasms. Last evaluated: 2024-05-21. Review status: criteria provided, single submitter. Criteria: Invitae Variant Classification Sherloc (09022015). Collection method: clinical testing. Allele origin: germline.
Comment: This sequence change replaces aspartic acid, which is acidic and polar, with tyrosine, which is neutral and polar, at codon 697 of the MSH6 protein (p.Asp697Tyr). This variant is not present in population databases (gnomAD no frequency). This variant has not been reported in the literature in individuals affected with MSH6-related conditions. ClinVar contains an entry for this variant (Variation ID: 1785692). Advanced modeling of protein sequence and biophysical properties (such as structural, functional, and spatial information, amino acid conservation, physicochemical variation, residue mobility, and thermodynamic stability) performed at Invitae indicates that this missense variant is expected to disrupt MSH6 protein function with a positive predictive value of 80%. In summary, the available evidence is currently insufficient to determine the role of this variant in disease. Therefore, it has been classified as a Variant of Uncertain Significance.

Ambry Genetics
Classification: Uncertain significance for Hereditary cancer-predisposing syndrome. Last evaluated: 2017-11-03. Review status: criteria provided, single submitter. Criteria: Ambry Variant Classification Scheme 2023. Collection method: clinical testing. Allele origin: germline.
Comment: The p.D697Y variant (also known as c.2089G>T), located in coding exon 4 of the MSH6 gene, results from a G to T substitution at nucleotide position 2089. The aspartic acid at codon 697 is replaced by tyrosine, an amino acid with highly dissimilar properties. This amino acid position is highly conserved in available vertebrate species. In addition, this alteration is predicted to be deleterious by in silico analysis. In addition, the CoDP in silico tool predicts this alteration is likely to impair molecular function, with a score of 0.994 (Terui H et al. J. Biomed. Sci. 2013 Apr;20:25). Since supporting evidence is limited at this time, the clinical significance of this alteration remains unclear.